The following is an entry in ClinVar:

NM_001013838.3(CARMIL2):c.2551C>G (p.Pro851Ala)

Gene: CARMIL2 (capping protein regulator and myosin 1 linker 2; plus strand). Cytogenetic location: 16q22.1.
Variant type: single nucleotide variant.
Coding change: c.2551C>G on transcript NM_001013838.3 (MANE Select); coding-DNA position 2551, C replaced by G.
Protein change: p.Pro851Ala; replaces proline 851 with alanine.
Molecular consequence: missense variant.
Genome position (GRCh38, 1-based): chr16:67,651,808, C>G. VCF-style: chr16-67651808-C-G. GRCh37 (hg19) VCF-style: chr16-67685711-C-G.
Other names: c.2443C>G, p.Pro815Ala (NM_001317026.3); short protein forms P815A, P851A.
Identifiers: ClinVar variation 2876561 (VCV002876561.3), dbSNP rs2052728397, ClinGen allele CA396341424.

ClinVar aggregate classification (germline): Uncertain significance (1 of 4 stars; one submission).

Allele frequency attached by ClinVar (database versions not stated): gnomAD 0.00001.
gnomAD v4.1: 5 of 1,611,348 alleles (0.00031%); highest among the groups gnomAD compares: African/African-American, 0.0013%; no homozygotes.

Submission:

Labcorp Genetics (formerly Invitae), Labcorp
Classification: Uncertain significance. Last evaluated: 2024-01-10. Review status: criteria provided, single submitter. Criteria: Invitae Variant Classification Sherloc (09022015). Collection method: clinical testing. Allele origin: germline.
Comment: This sequence change replaces proline, which is neutral and non-polar, with alanine, which is neutral and non-polar, at codon 851 of the CARMIL2 protein (p.Pro851Ala). This variant is not present in population databases (gnomAD no frequency). This variant has not been reported in the literature in individuals affected with CARMIL2-related conditions. Advanced modeling of protein sequence and biophysical properties (such as structural, functional, and spatial information, amino acid conservation, physicochemical variation, residue mobility, and thermodynamic stability) performed at Invitae indicates that this missense variant is not expected to disrupt CARMIL2 protein function with a negative predictive value of 80%. In summary, the available evidence is currently insufficient to determine the role of this variant in disease. Therefore, it has been classified as a Variant of Uncertain Significance.